The following is an entry in ClinVar:

ClinVar aggregate classification (germline): Conflicting classifications of pathogenicity. Review status: criteria provided, conflicting classifications (1 of 4 stars). 5 submissions from 5 submitters: Uncertain significance (3); Likely benign (1). 1 of the submissions does not count toward it. Last evaluated 2022-10-13.

Conditions:
Familial thoracic aortic aneurysm and aortic dissection (TAAD). Also called: Thoracic aortic aneurysms and dissections. Identifiers: Orphanet 91387, MedGen C4707243, MONDO:0019625.
Classic homocystinuria. Also called: Homocystinuria due to CBS deficiency; Cystathionine beta-synthase deficiency; CBS deficiency; Homocystinuria due to Cystathionine Beta-Synthase Deficiency; HOMOCYSTINURIA WITH OR WITHOUT RESPONSE TO PYRIDOXINE. Identifiers: Orphanet 394, MedGen C0751202, MONDO:0009352, OMIM 236200.
HYPERHOMOCYSTEINEMIA, THROMBOTIC, CBS-RELATED. Identifiers: MedGen C3150344, OMIM 236200.

Allele frequency attached by ClinVar (database versions not stated): gnomAD 0.00022; ExAC 0.00036; ESP Exome Variant Server 0.00039; 1000 Genomes Project 0.00040.

Submissions (5):

Labcorp Genetics (formerly Invitae), Labcorp
Classification: Uncertain significance for HYPERHOMOCYSTEINEMIA, THROMBOTIC, CBS-RELATED. Last evaluated: 2022-10-13. Review status: criteria provided, single submitter. Criteria: Invitae Variant Classification Sherloc (09022015). Collection method: clinical testing. Allele origin: germline.
Comment: This sequence change replaces valine, which is neutral and non-polar, with methionine, which is neutral and non-polar, at codon 425 of the CBS protein (p.Val425Met). This variant is present in population databases (rs138211175, gnomAD 0.2%). This variant has not been reported in the literature in individuals affected with CBS-related conditions. ClinVar contains an entry for this variant (Variation ID: 212866). Advanced modeling of protein sequence and biophysical properties (such as structural, functional, and spatial information, amino acid conservation, physicochemical variation, residue mobility, and thermodynamic stability) performed at Invitae indicates that this missense variant is expected to disrupt CBS protein function. In summary, the available evidence is currently insufficient to determine the role of this variant in disease. Therefore, it has been classified as a Variant of Uncertain Significance.

Ambry Genetics
Classification: Likely benign for Familial thoracic aortic aneurysm and aortic dissection. Last evaluated: 2022-05-04. Review status: criteria provided, single submitter. Criteria: Ambry Variant Classification Scheme 2023. Collection method: clinical testing. Allele origin: germline.

ARUP Laboratories, Molecular Genetics and Genomics, ARUP Laboratories
Classification: Uncertain significance. Last evaluated: 2019-08-01. Review status: criteria provided, single submitter. Criteria: ARUP Molecular Germline Variant Investigation Process. Collection method: clinical testing. Allele origin: germline.
Comment: The CBS c.1273G>A; p.Val425Met variant (rs138211175), to our knowledge, is not reported in the medical literature but is reported in ClinVar (Variation ID: 212866). This variant is found in the African population with an allele frequency of 0.15% (30/20090 alleles) in the Genome Aggregation Database. The valine at codon 425 is highly conserved, and computational analyses (SIFT, PolyPhen-2) predict that this variant is deleterious. Due to limited information, the clinical significance of the p.Val425Met variant is uncertain at this time.

Eurofins Ntd Llc (ga)
Classification: Uncertain significance. Last evaluated: 2017-04-24. Review status: criteria provided, single submitter. Criteria: EGL Classification Definitions 2015. Collection method: clinical testing. Allele origin: germline. Observed: 1 variant allele, 1 heterozygote.

Natera, Inc.
Classification: Uncertain significance for Homocystinuria due to cystathionine beta-synthase deficiency. Last evaluated: 2020-02-21. Review status: no assertion criteria provided. Collection method: clinical testing. Allele origin: germline. Not counted in ClinVar's aggregate classification.

NM_000071.3(CBS):c.1273G>A (p.Val425Met)

Gene: CBS (cystathionine beta-synthase; minus strand). Cytogenetic location: 21q22.3.
Variant type: single nucleotide variant.
Coding change: c.1273G>A on transcript NM_000071.3 (MANE Select); coding-DNA position 1273, G replaced by A.
Protein change: p.Val425Met; replaces valine 425 with methionine.
Molecular consequence: missense variant.
Genome position (GRCh38, 1-based): chr21:43,058,919, C>T on the plus strand (G>A on the coding strand, the complement: CBS is on the minus strand). VCF-style: chr21-43058919-C-T. GRCh37 (hg19) VCF-style: chr21-44479029-C-T.
Other names: c.1273G>A, p.Val425Met (NM_001178008.3, NM_001178009.3, NM_001320298.2); c.958G>A, p.Val320Met (NM_001321072.1); short protein forms V425M, V320M.
Identifiers: ClinVar variation 212866 (VCV000212866.30), dbSNP rs138211175, ClinGen allele CA325175.